The following is an entry in ClinVar:

NM_015915.5(ATL1):c.265A>G (p.Arg89Gly)

Gene: ATL1 (atlastin GTPase 1; plus strand). Cytogenetic location: 14q22.1.
Variant type: single nucleotide variant.
Coding change: c.265A>G on transcript NM_015915.5 (MANE Select); coding-DNA position 265, A replaced by G.
Protein change: p.Arg89Gly; replaces arginine 89 with glycine.
Molecular consequence: missense variant.
Genome position (GRCh38, 1-based): chr14:50,588,061, A>G. VCF-style: chr14-50588061-A-G. GRCh37 (hg19) VCF-style: chr14-51054779-A-G.
Other names: c.265A>G, p.Arg89Gly (NM_001127713.1, NM_181598.4); short protein forms R89G.
Identifiers: ClinVar variation 4865297 (VCV004865297.1).

ClinVar aggregate classification (germline): Uncertain significance (1 of 4 stars; one submission).

Conditions:
Inborn genetic diseases. Identifiers: MedGen C0950123, MeSH D030342.

Submission:

Ambry Genetics
Classification: Uncertain significance for Inborn genetic diseases. Last evaluated: 2026-05-27. Review status: criteria provided, single submitter. Criteria: Ambry Variant Classification Scheme 2023. Collection method: clinical testing. Allele origin: germline.
Comment: The c.265A>G (p.R89G) alteration is located in exon 2 (coding exon 2) of the ATL1 gene. This alteration results from an A to G substitution at nucleotide position 265, causing the arginine (R) at amino acid position 89 to be replaced by a glycine (G). This variant was not reported in population-based cohorts in the Genome Aggregation Database (gnomAD). This amino acid position is highly conserved in available vertebrate species. This alteration is predicted to be deleterious by in silico analysis. Based on insufficient or conflicting evidence, the clinical significance of this alteration remains unclear.